The following is an entry in ClinVar:

ClinVar aggregate classification (germline): Uncertain significance. Review status: criteria provided, multiple submitters, no conflicts (2 of 4 stars). 2 submissions from 2 submitters: Uncertain significance (2). Last evaluated 2024-08-26.

Conditions:
Breast-ovarian cancer, familial, susceptibility to, 1 (BROVCA1). Also called: BRCA1 Hereditary Breast and Ovarian Cancer; OVARIAN CANCER, SUSCEPTIBILITY TO. Identifiers: Orphanet 145, MedGen C2676676, MONDO:0011450, OMIM 604370. Disease mechanism: loss of function.
Fanconi anemia, complementation group S (FANCS). Identifiers: MedGen C4554406, MONDO:0054748, OMIM 617883.
Familial cancer of breast. Also called: BREAST CANCER, FAMILIAL; Hereditary breast cancer; hereditary breast carcinoma. Identifiers: Orphanet 227535, MedGen C0346153, MONDO:0016419, OMIM 114480. Disease mechanism: loss of function.

Submissions (3):

Women's Health and Genetics/Laboratory Corporation of America, LabCorp
Classification: Uncertain significance. Last evaluated: 2024-08-26. Review status: criteria provided, single submitter. Criteria: LabCorp Variant Classification Summary - May 2015. Collection method: clinical testing. Allele origin: germline.
Comment: Variant summary: BRCA1 c.5288G>C (p.Gly1763Ala) results in a non-conservative amino acid change located in the BRCT domain (IPR001357) of the encoded protein sequence. Four of five in-silico tools predict a damaging effect of the variant on protein function. The variant was absent in 251234 control chromosomes. The available data on variant occurrences in the general population are insufficient to allow any conclusion about variant significance. To our knowledge, no occurrence of c.5288G>C in individuals affected with Hereditary Breast And Ovarian Cancer Syndrome has been reported. At least one functional study reports experimental evidence evaluating an impact on protein function and showed no damaging effect of this variant on homology directed repair (HDR) activity (e.g. Findlay_2018). HDR assays qualify as a recognized gold standard on the basis of updated guidance provided by the ClinGen Sequence Variant Interpretation (SVI) working group. The following publication has been ascertained in the context of this evaluation (PMID: 30209399). ClinVar contains an entry for this variant (Variation ID: 868287). Based on the evidence outlined above, the variant was classified as uncertain significance.

Department of Pathology and Laboratory Medicine, Sinai Health System
Classification: Uncertain significance for Familial cancer of breast; Breast-ovarian cancer, familial, susceptibility to, 1; Fanconi anemia, complementation group S. Last evaluated: 2023-10-08. Review status: criteria provided, single submitter. Criteria: ACMG Guidelines, 2015. Collection method: clinical testing. Allele origin: germline. Affected: yes.

Brotman Baty Institute, University of Washington
No classification provided (evidence only). Condition: Breast-ovarian cancer, familial 1. Review status: no classification provided. Collection method: in vitro. Allele origin: not applicable. Functional consequence: functionally_normal. Not counted in ClinVar's aggregate classification.
ClinVar note: "not provided" was previously submitted as the classification for the variant. However, the classification appeared to be based only on an observation of functional data so it was converted to no classification on 2025-07-30.

Literature cited by the submitters: PubMed 30209399 (cited by Women's Health and Genetics/Laboratory Corporation of America, LabCorp).

NM_007294.4(BRCA1):c.5288G>C (p.Gly1763Ala)

Gene: BRCA1 (BRCA1 DNA repair associated; minus strand). Cytogenetic location: 17q21.31.
Variant type: single nucleotide variant.
Coding change: c.5288G>C on transcript NM_007294.4 (MANE Select); coding-DNA position 5288, G replaced by C.
Protein change: p.Gly1763Ala; replaces glycine 1763 with alanine.
Molecular consequence: missense variant. On other transcripts: non-coding transcript variant (1).
Genome position (GRCh38, 1-based): chr17:43,051,107, C>G on the plus strand (G>C on the coding strand, the complement: BRCA1 is on the minus strand). VCF-style: chr17-43051107-C-G. GRCh37 (hg19) VCF-style: chr17-41203124-C-G.
Other names: c.5075G>C, p.Gly1692Ala (NM_001407571.1, NM_001407894.1, NM_001407908.1 and 12 more transcripts); c.5354G>C, p.Gly1785Ala (NM_001407581.1, NM_001407582.1); c.5351G>C, p.Gly1784Ala (NM_001407583.1, NM_001407585.1, NM_001407587.1 and 1 more transcripts); c.5348G>C, p.Gly1783Ala (NM_001407590.1, NM_001407591.1); c.5288G>C, p.Gly1763Ala (NM_001407593.1, NM_001407594.1, NM_001407854.1 and 6 more transcripts); c.5285G>C, p.Gly1762Ala (NM_001407614.1, NM_001407615.1, NM_001407616.1 and 17 more transcripts); c.5282G>C, p.Gly1761Ala (NM_001407633.1, NM_001407634.1, NM_001407635.1 and 14 more transcripts); c.5210G>C, p.Gly1737Ala (NM_001407655.1, NM_001407652.1, NM_001407653.1 and 1 more transcripts); and 72 more; short protein forms G659A, G1716A, G1763A, G1784A, G1594A, G1636A, G1650A, G1693A.
Identifiers: ClinVar variation 868287 (VCV000868287.5), dbSNP rs80357007, ClinGen allele CA10590968.
Genomic context (GRCh38, chr17:43,051,107, plus strand): 5'-TCTCCCAGGCTCTTACCTGTGGGCATGTTGGTGAAGGGCCCATAGCAACAGATTTCTAGC[C>G]CCCTGAAGATCTGGAAGAAGAGAGGAAGAGAGAGGGACAGGGGAATGGAGAGAAGGAAAA-3'
Protein context (NP_009225.1, residues 1753-1773): RESQDRKIFR[Gly1763Ala]LEICCYGPFT